The following is an entry in ClinVar:

NM_001374736.1(DST):c.13592T>C (p.Leu4531Pro)

Gene: DST (dystonin; minus strand). Cytogenetic location: 6p12.1.
Variant type: single nucleotide variant.
Coding change: c.13592T>C on transcript NM_001374736.1 (MANE Select); coding-DNA position 13592, T replaced by C.
Protein change: p.Leu4531Pro; replaces leucine 4531 with proline.
Molecular consequence: missense variant.
Genome position (GRCh38, 1-based): chr6:56,572,229, A>G on the plus strand (T>C on the coding strand, the complement: DST is on the minus strand). VCF-style: chr6-56572229-A-G. GRCh37 (hg19) VCF-style: chr6-56437027-A-G.
Other names: c.7235T>C, p.Leu2412Pro (NM_001144769.5); c.6821T>C, p.Leu2274Pro (NM_001144770.2); c.13592T>C, p.Leu4531Pro (NM_001374722.1); c.12959T>C, p.Leu4320Pro (NM_001374729.1); c.6701T>C, p.Leu2234Pro (NM_001374730.1, NM_001386100.1, NM_183380.4); c.13619T>C, p.Leu4540Pro (NM_001374734.1); c.5723T>C, p.Leu1908Pro (NM_015548.5); short protein forms L1908P, L2274P, L2234P, L2412P, L4320P, L4531P, L4540P.
Identifiers: ClinVar variation 641533 (VCV000641533.7), dbSNP rs760912540, ClinGen allele CA364526587.

ClinVar aggregate classification (germline): Uncertain significance (1 of 4 stars; one submission).

Conditions:
Hereditary sensory and autonomic neuropathy type 6. Also called: HSAN VI; Neuropathy, hereditary sensory and autonomic, type VI. Identifiers: Orphanet 314381, MedGen C3539003, MONDO:0013839, OMIM 614653.
Epidermolysis bullosa simplex 3, localized or generalized intermediate, with BP230 deficiency (EBS3). Also called: Epidermolysis bullosa simplex, autosomal recessive 2; Epidermolysis bullosa simplex due to BP230 deficiency. Identifiers: Orphanet 412181, MedGen C3809470, MONDO:0014180, OMIM 615425.

gnomAD v4.1: 1 of 1,576,246 alleles (0.000063%); highest among the groups gnomAD compares: Non-Finnish European, 0.000086%; no homozygotes.

Submission:

Labcorp Genetics (formerly Invitae), Labcorp
Classification: Uncertain significance for Epidermolysis bullosa simplex 3, localized or generalized intermediate, with BP230 deficiency; Hereditary sensory and autonomic neuropathy type 6. Last evaluated: 2018-12-20. Review status: criteria provided, single submitter. Criteria: Invitae Variant Classification Sherloc (09022015). Collection method: clinical testing. Allele origin: germline.
Comment: In summary, the available evidence is currently insufficient to determine the role of this variant in disease. Therefore, it has been classified as a Variant of Uncertain Significance. Algorithms developed to predict the effect of missense changes on protein structure and function are either unavailable or do not agree on the potential impact of this missense change (SIFT: "Deleterious"; PolyPhen-2: "Probably Damaging"; Align-GVGD: "Class C0"). This variant has not been reported in the literature in individuals with DST-related conditions. This variant is not present in population databases (ExAC no frequency). This sequence change replaces leucine with proline at codon 1908 of the DST protein (p.Leu1908Pro). The leucine residue is moderately conserved and there is a moderate physicochemical difference between leucine and proline. The DST gene has multiple clinically relevant transcripts. The p.Leu1908Pro variant occurs in alternate transcript NM_015548.4, which corresponds to c.*43288T>C in NM_001723.5, the primary transcript listed in the Methods.